The following is an entry in ClinVar:

NM_000170.3(GLDC):c.1264C>A (p.Leu422Ile)

Gene: GLDC (glycine decarboxylase; minus strand). Cytogenetic location: 9p24.1.
Variant type: single nucleotide variant.
Coding change: c.1264C>A on transcript NM_000170.3 (MANE Select); coding-DNA position 1264, C replaced by A.
Protein change: p.Leu422Ile; replaces leucine 422 with isoleucine.
Molecular consequence: missense variant.
Genome position (GRCh38, 1-based): chr9:6,592,988, G>T on the plus strand (C>A on the coding strand, the complement: GLDC is on the minus strand). VCF-style: chr9-6592988-G-T. GRCh37 (hg19) VCF-style: chr9-6592988-G-T.
Other names: short protein forms L422I.
Identifiers: ClinVar variation 554914 (VCV000554914.6), dbSNP rs1554647026, ClinGen allele CA372894182.

ClinVar aggregate classification (germline): Uncertain significance. Review status: criteria provided, multiple submitters, no conflicts (2 of 4 stars). 3 submissions from 3 submitters: Uncertain significance (2). 1 of the submissions does not count toward it. Last evaluated 2025-08-18.

Conditions:
Glycine encephalopathy 1 (GCE1). Identifiers: MedGen CN376801, MONDO:0958179, OMIM 605899.
Glycine encephalopathy. Also called: Non-ketotic hyperglycinemia; Nonketotic hyperglycinemia. Identifiers: Orphanet 407, MedGen C0751748, MONDO:0011612, HP:0008288.

Allele frequency attached by ClinVar (database versions not stated): gnomAD exomes 0.00001.
gnomAD v4.1: 8 of 1,614,120 alleles (0.0005%); highest among the groups gnomAD compares: Non-Finnish European, 0.00068%; no homozygotes.

Submissions (3):

Labcorp Genetics (formerly Invitae), Labcorp
Classification: Uncertain significance for Glycine encephalopathy. Last evaluated: 2025-08-18. Review status: criteria provided, single submitter. Criteria: Invitae Variant Classification Sherloc (09022015). Collection method: clinical testing. Allele origin: germline.
Comment: This sequence change replaces leucine, which is neutral and non-polar, with isoleucine, which is neutral and non-polar, at codon 422 of the GLDC protein (p.Leu422Ile). This variant is not present in population databases (gnomAD no frequency). This missense change has been observed in individual(s) with glycine encephalopathy (PMID: 27362913). ClinVar contains an entry for this variant (Variation ID: 554914). Invitae Evidence Modeling of protein sequence and biophysical properties (such as structural, functional, and spatial information, amino acid conservation, physicochemical variation, residue mobility, and thermodynamic stability) indicates that this missense variant is not expected to disrupt GLDC protein function with a negative predictive value of 80%. In summary, the available evidence is currently insufficient to determine the role of this variant in disease. Therefore, it has been classified as a Variant of Uncertain Significance.

Blueprint Genetics
Classification: Uncertain significance. Last evaluated: 2023-06-19. Review status: criteria provided, single submitter. Criteria: ACMG Guidelines, 2015. Collection method: clinical testing. Allele origin: germline.

Counsyl
Classification: Uncertain significance for Glycine encephalopathy 1. Last evaluated: 2017-11-08. Review status: no assertion criteria provided. Collection method: clinical testing. Allele origin: unknown. Not counted in ClinVar's aggregate classification.

Literature cited by the submitters: PubMed 27362913 (cited by Labcorp Genetics (formerly Invitae), Labcorp and Counsyl).